The following is an entry in ClinVar:

ClinVar aggregate classification (germline): Uncertain significance. Review status: criteria provided, multiple submitters, no conflicts (2 of 4 stars). 2 submissions from 2 submitters: Uncertain significance (2). Last evaluated 2023-12-06.

Conditions:
Hyperphosphatasia with intellectual disability syndrome 5 (GPIBD11). Also called: GLYCOSYLPHOSPHATIDYLINOSITOL BIOSYNTHESIS DEFECT 11. Identifiers: Orphanet 247262, MedGen C4014958, MONDO:0014457, OMIM 616025.

Allele frequency attached by ClinVar (database versions not stated): gnomAD exomes below 0.00001; ExAC 0.00001; TOPMed 0.00005; gnomAD 0.00007 and 0.00008.
gnomAD v4.1: 14 of 1,613,634 alleles (0.00087%); highest among the groups gnomAD compares: African/African-American, 0.017%; no homozygotes.

Submissions (2):

Labcorp Genetics (formerly Invitae), Labcorp
Classification: Uncertain significance for Hyperphosphatasia with intellectual disability syndrome 5. Last evaluated: 2023-12-06. Review status: criteria provided, single submitter. Criteria: Invitae Variant Classification Sherloc (09022015). Collection method: clinical testing. Allele origin: germline.
Comment: This sequence change replaces valine, which is neutral and non-polar, with isoleucine, which is neutral and non-polar, at codon 480 of the PIGW protein (p.Val480Ile). This variant is present in population databases (rs758231021, gnomAD 0.01%). This variant has not been reported in the literature in individuals affected with PIGW-related conditions. ClinVar contains an entry for this variant (Variation ID: 1438495). Advanced modeling of protein sequence and biophysical properties (such as structural, functional, and spatial information, amino acid conservation, physicochemical variation, residue mobility, and thermodynamic stability) performed at Invitae indicates that this missense variant is not expected to disrupt PIGW protein function with a negative predictive value of 80%. In summary, the available evidence is currently insufficient to determine the role of this variant in disease. Therefore, it has been classified as a Variant of Uncertain Significance.

GeneDx
Classification: Uncertain significance. Last evaluated: 2022-05-02. Review status: criteria provided, single submitter. Criteria: GeneDx Variant Classification Process June 2021. Collection method: clinical testing. Allele origin: germline. Affected: yes.
Comment: In silico analysis supports that this missense variant does not alter protein structure/function; Has not been previously published as pathogenic or benign to our knowledge

NM_001346754.2(PIGW):c.1438G>A (p.Val480Ile)

Genes: MYO19 (myosin XIX; minus strand), PIGW (phosphatidylinositol glycan anchor biosynthesis class W; plus strand). Cytogenetic location: 17q12.
Variant type: single nucleotide variant.
Coding change: c.1438G>A on transcript NM_001346754.2 (MANE Select); coding-DNA position 1438, G replaced by A.
Protein change: p.Val480Ile; replaces valine 480 with isoleucine.
Molecular consequence: missense variant.
Genome position (GRCh38, 1-based): chr17:36,538,539, G>A. VCF-style: chr17-36538539-G-A. GRCh37 (hg19) VCF-style: chr17-34894388-G-A.
Other names: c.1438G>A, p.Val480Ile (NM_001346755.2, NM_178517.5); short protein forms V480I.
Identifiers: ClinVar variation 1438495 (VCV001438495.5), dbSNP rs758231021, ClinGen allele CA290116865.
Genomic context (GRCh38, chr17:36,538,539, plus strand): 5'-GGCCTGATCAACCTGATGGTAGATACATTACACAGCAGTACCTTGTGGGCCTTATTTGTG[G>A]TCAATCTCTATATGTTTTCCAACTGTTTAATTGTATATGTACTATATTTGCAAGATAAGA-3'
Protein context (NP_001333683.1, residues 470-490): HSSTLWALFV[Val480Ile]NLYMFSNCLI